The following is an entry in ClinVar:

ClinVar aggregate classification (germline): Conflicting classifications of pathogenicity. Review status: criteria provided, conflicting classifications (1 of 4 stars). 2 submissions from 2 submitters: Uncertain significance (1); Likely benign (1). Last evaluated 2025-08-18.

Conditions:
Kleefstra syndrome 1 (KLEFS1). Identifiers: Orphanet 261494, MedGen C0795833, MONDO:0027407, OMIM 610253.

Allele frequency attached by ClinVar (database versions not stated): gnomAD 0.00001; TOPMed 0.00001; ESP Exome Variant Server 0.00008.
gnomAD v4.1: 18 of 1,613,038 alleles (0.0011%); highest among the groups gnomAD compares: Non-Finnish European, 0.0014%; no homozygotes.

Submissions (2):

Labcorp Genetics (formerly Invitae), Labcorp
Classification: Uncertain significance for Kleefstra syndrome 1. Last evaluated: 2025-08-18. Review status: criteria provided, single submitter. Criteria: Invitae Variant Classification Sherloc (09022015). Collection method: clinical testing. Allele origin: germline.
Comment: This sequence change replaces isoleucine, which is neutral and non-polar, with valine, which is neutral and non-polar, at codon 120 of the EHMT1 protein (p.Ile120Val). This variant is present in population databases (rs369253537, gnomAD 0.007%). This variant has not been reported in the literature in individuals affected with EHMT1-related conditions. ClinVar contains an entry for this variant (Variation ID: 435043). An algorithm developed to predict the effect of missense changes on protein structure and function outputs the following: PolyPhen-2: "Benign". The valine amino acid residue is found in multiple mammalian species, which suggests that this missense change does not adversely affect protein function. In summary, the available evidence is currently insufficient to determine the role of this variant in disease. Therefore, it has been classified as a Variant of Uncertain Significance.

Genetic Services Laboratory, University of Chicago
Classification: Likely benign. Last evaluated: 2016-01-08. Review status: criteria provided, single submitter. Criteria: ACMG Guidelines, 2015. Collection method: clinical testing. Allele origin: germline. Affected: no.

NM_024757.5(EHMT1):c.358A>G (p.Ile120Val)

Gene: EHMT1 (euchromatic histone lysine methyltransferase 1; plus strand). Cytogenetic location: 9q34.3.
Variant type: single nucleotide variant.
Coding change: c.358A>G on transcript NM_024757.5 (MANE Select); coding-DNA position 358, A replaced by G.
Protein change: p.Ile120Val; replaces isoleucine 120 with valine.
Molecular consequence: missense variant.
Genome position (GRCh38, 1-based): chr9:137,716,898, A>G. VCF-style: chr9-137716898-A-G. GRCh37 (hg19) VCF-style: chr9-140611350-A-G.
Other names: c.358A>G, p.Ile120Val (NM_001145527.2, NM_001354263.2, NM_001354611.2); c.265A>G, p.Ile89Val (NM_001354259.2, NM_001354612.2); short protein forms I120V, I89V.
Identifiers: ClinVar variation 435043 (VCV000435043.10), dbSNP rs369253537, ClinGen allele CA201801999.
Genomic context (GRCh38, chr9:137,716,898, plus strand): 5'-GACTCAGAAGCGGCGAAGCAAAACCACGTCACTGCCGACGACTTTGTGCAGACTTCTGTC[A>G]TCGGCAGCAACGGATACATCTTAAATAAGCCGGCCCTACAGGCACAGCCCTTGAGGACTA-3'
Protein context (NP_079033.4, residues 110-130): TADDFVQTSV[Ile120Val]GSNGYILNKP